The following is an entry in ClinVar:

ClinVar aggregate classification (germline): Pathogenic/Likely pathogenic. Review status: criteria provided, multiple submitters, no conflicts (2 of 4 stars). 3 submissions from 3 submitters: Pathogenic (1); Likely pathogenic (1). 1 of the submissions does not count toward it. Last evaluated 2024-09-05.

Conditions:
HYPERHOMOCYSTEINEMIA, THROMBOTIC, CBS-RELATED. Identifiers: MedGen C3150344, OMIM 236200.
Classic homocystinuria. Also called: HOMOCYSTINURIA WITH OR WITHOUT RESPONSE TO PYRIDOXINE; Homocystinuria due to Cystathionine Beta-Synthase Deficiency; Homocystinuria due to CBS deficiency; Cystathionine beta-synthase deficiency; CBS deficiency. Identifiers: Orphanet 394, MedGen C0751202, MONDO:0009352, OMIM 236200.
Familial thoracic aortic aneurysm and aortic dissection (TAAD). Also called: Thoracic aortic aneurysms and dissections. Identifiers: Orphanet 91387, MedGen C4707243, MONDO:0019625.

Submissions (3):

Labcorp Genetics (formerly Invitae), Labcorp
Classification: Pathogenic for HYPERHOMOCYSTEINEMIA, THROMBOTIC, CBS-RELATED. Last evaluated: 2024-09-05. Review status: criteria provided, single submitter. Criteria: Invitae Variant Classification Sherloc (09022015). Collection method: clinical testing. Allele origin: germline.
Comment: This sequence change replaces arginine, which is basic and polar, with proline, which is neutral and non-polar, at codon 336 of the CBS protein (p.Arg336Pro). This variant is not present in population databases (gnomAD no frequency). This missense change has been observed in individual(s) with clinical features of CBS deficiency (internal data). In at least one individual the data is consistent with being in trans (on the opposite chromosome) from a pathogenic variant. ClinVar contains an entry for this variant (Variation ID: 1052953). Invitae Evidence Modeling of protein sequence and biophysical properties (such as structural, functional, and spatial information, amino acid conservation, physicochemical variation, residue mobility, and thermodynamic stability) indicates that this missense variant is expected to disrupt CBS protein function with a positive predictive value of 95%. This variant disrupts the p.Arg336 amino acid residue in CBS. Other variant(s) that disrupt this residue have been determined to be pathogenic (PMID: 10408774, 12815602, 16205833, 16429402, 21517828, 26464485). This suggests that this residue is clinically significant, and that variants that disrupt this residue are likely to be disease-causing. For these reasons, this variant has been classified as Pathogenic.

Ambry Genetics
Classification: Likely pathogenic for Familial thoracic aortic aneurysm and aortic dissection. Last evaluated: 2022-08-04. Review status: criteria provided, single submitter. Criteria: Ambry Variant Classification Scheme 2023. Collection method: clinical testing. Allele origin: germline.
Comment: The p.R336P variant (also known as c.1007G>C), located in coding exon 9 of the CBS gene, results from a G to C substitution at nucleotide position 1007. The arginine at codon 336 is replaced by proline, an amino acid with dissimilar properties. Another alteration at the same codon, p.R336H (c.1007G>A), has been detected as homozygous in two family members with homocystinuria (Coud&eacute; M et al. J Inherit Metab Dis, 1998 Dec;21:823-8), and showed an impact on enzyme activity in functional studies (Urreizti R et al. Hum Mutat, 2006 Feb;27:211; Mayfield JA et al. Genetics, 2012 Apr;190:1309-23; Mendes MI et al. Hum Mol Genet, 2015 Dec;24:7339-48). This variant is considered to be rare based on population cohorts in the Genome Aggregation Database (gnomAD). This amino acid position is highly conserved in available vertebrate species. In addition, this alteration is predicted to be deleterious by in silico analysis. Based on the majority of available evidence to date, this variant is likely to be pathogenic.

Natera, Inc.
Classification: Uncertain significance for Homocystinuria due to cystathionine beta-synthase deficiency. Last evaluated: 2020-04-24. Review status: no assertion criteria provided. Collection method: clinical testing. Allele origin: germline. Not counted in ClinVar's aggregate classification.

Literature cited by the submitters: PubMed 10408774 (cited by Labcorp Genetics (formerly Invitae), Labcorp); PubMed 12815602 (cited by Labcorp Genetics (formerly Invitae), Labcorp); PubMed 16205833 (cited by Labcorp Genetics (formerly Invitae), Labcorp); PubMed 16429402 (cited by Labcorp Genetics (formerly Invitae), Labcorp); PubMed 21517828 (cited by Labcorp Genetics (formerly Invitae), Labcorp); PubMed 26464485 (cited by Labcorp Genetics (formerly Invitae), Labcorp).

NM_000071.3(CBS):c.1007G>C (p.Arg336Pro)

Gene: CBS (cystathionine beta-synthase; minus strand). Cytogenetic location: 21q22.3.
Variant type: single nucleotide variant.
Coding change: c.1007G>C on transcript NM_000071.3 (MANE Select); coding-DNA position 1007, G replaced by C.
Protein change: p.Arg336Pro; replaces arginine 336 with proline.
Molecular consequence: missense variant.
Genome position (GRCh38, 1-based): chr21:43,062,343, C>G on the plus strand (G>C on the coding strand, the complement: CBS is on the minus strand). VCF-style: chr21-43062343-C-G. GRCh37 (hg19) VCF-style: chr21-44482453-C-G.
Other names: c.1007G>C, p.Arg336Pro (NM_001178008.3, NM_001178009.3, NM_001320298.2); c.692G>C, p.Arg231Pro (NM_001321072.1); c.1007G>C (NM_000071.2); short protein forms R231P, R336P.
Identifiers: ClinVar variation 1052953 (VCV001052953.11), dbSNP rs760417941, ClinGen allele CA410599798.